The following is an entry in ClinVar:

NM_000390.4(CHM):c.523A>G (p.Thr175Ala)

Gene: CHM (CHM Rab escort protein; minus strand). Cytogenetic location: Xq21.2.
Variant type: single nucleotide variant.
Coding change: c.523A>G on transcript NM_000390.4 (MANE Select); coding-DNA position 523, A replaced by G.
Protein change: p.Thr175Ala; replaces threonine 175 with alanine.
Molecular consequence: missense variant.
Genome position (GRCh38, 1-based): chrX:85,963,844, T>C on the plus strand (A>G on the coding strand, the complement: CHM is on the minus strand). VCF-style: chrX-85963844-T-C. GRCh37 (hg19) VCF-style: chrX-85218849-T-C.
Other names: c.79A>G, p.Thr27Ala (NM_001320959.1, NM_001362517.1, NM_001362518.2 and 1 more transcripts); short protein forms T175A, T27A.
Identifiers: ClinVar variation 1364392 (VCV001364392.8), dbSNP rs2147675841, ClinGen allele CA413786903.

ClinVar aggregate classification (germline): Uncertain significance (1 of 4 stars; one submission).

Submission:

Labcorp Genetics (formerly Invitae), Labcorp
Classification: Uncertain significance. Last evaluated: 2022-06-13. Review status: criteria provided, single submitter. Criteria: Invitae Variant Classification Sherloc (09022015). Collection method: clinical testing. Allele origin: germline.
Comment: In summary, the available evidence is currently insufficient to determine the role of this variant in disease. Therefore, it has been classified as a Variant of Uncertain Significance. Algorithms developed to predict the effect of missense changes on protein structure and function output the following: SIFT: "Tolerated"; PolyPhen-2: "Benign"; Align-GVGD: "Class C0". The alanine amino acid residue is found in multiple mammalian species, which suggests that this missense change does not adversely affect protein function. This variant has not been reported in the literature in individuals affected with CHM-related conditions. This variant is not present in population databases (gnomAD no frequency). This sequence change replaces threonine, which is neutral and polar, with alanine, which is neutral and non-polar, at codon 175 of the CHM protein (p.Thr175Ala).